The following is an entry in ClinVar:

NM_005862.3(STAG1):c.1762A>G (p.Lys588Glu)

Gene: STAG1 (STAG1 cohesin complex component; minus strand). Cytogenetic location: 3q22.3.
Variant type: single nucleotide variant.
Coding change: c.1762A>G on transcript NM_005862.3 (MANE Select); coding-DNA position 1762, A replaced by G.
Protein change: p.Lys588Glu; replaces lysine 588 with glutamic acid.
Molecular consequence: missense variant.
Genome position (GRCh38, 1-based): chr3:136,422,839, T>C on the plus strand (A>G on the coding strand, the complement: STAG1 is on the minus strand). VCF-style: chr3-136422839-T-C. GRCh37 (hg19) VCF-style: chr3-136141681-T-C.
Other names: short protein forms K588E.
Identifiers: ClinVar variation 4768271 (VCV004768271.1).

ClinVar aggregate classification (germline): Uncertain significance (1 of 4 stars; one submission).

gnomAD v4.1: 1 of 1,609,786 alleles (0.000062%); highest among the groups gnomAD compares: African/African-American, 0.0013%; no homozygotes.

Submission:

Labcorp Genetics (formerly Invitae), Labcorp
Classification: Uncertain significance. Last evaluated: 2025-06-15. Review status: criteria provided, single submitter. Criteria: Invitae Variant Classification Sherloc (09022015). Collection method: clinical testing. Allele origin: germline.
Comment: This sequence change replaces lysine, which is basic and polar, with glutamic acid, which is acidic and polar, at codon 588 of the STAG1 protein (p.Lys588Glu). This variant is not present in population databases (gnomAD no frequency). This variant has not been reported in the literature in individuals affected with STAG1-related conditions. Invitae Evidence Modeling of protein sequence and biophysical properties (such as structural, functional, and spatial information, amino acid conservation, physicochemical variation, residue mobility, and thermodynamic stability) indicates that this missense variant is not expected to disrupt STAG1 protein function with a negative predictive value of 80%. In summary, the available evidence is currently insufficient to determine the role of this variant in disease. Therefore, it has been classified as a Variant of Uncertain Significance.